The following is an entry in ClinVar:

NM_020884.7(MYH7B):c.2944-8T>C

Gene: MYH7B (myosin heavy chain 7B; plus strand). Cytogenetic location: 20q11.22.
Variant type: single nucleotide variant.
Coding change: c.2944-8T>C on transcript NM_020884.7 (MANE Select); 8 bases into the intron before coding-DNA position 2944, T replaced by C.
Molecular consequence: intron variant.
Genome position (GRCh38, 1-based): chr20:34,996,338, T>C. VCF-style: chr20-34996338-T-C. GRCh37 (hg19) VCF-style: chr20-33584141-T-C.
Other names: c.3070-8T>C (NM_020884.4).
Identifiers: ClinVar variation 2170777 (VCV002170777.5), dbSNP rs532922966, ClinGen allele CA9827554.

ClinVar aggregate classification (germline): Likely benign. Review status: criteria provided, multiple submitters, no conflicts (2 of 4 stars). 2 submissions from 2 submitters: Likely benign (2). Last evaluated 2026-02-16.

Conditions:
MYH7B-related disorder. Also called: MYH7B-related condition.

Allele frequency attached by ClinVar (database versions not stated): TOPMed 0.00011; gnomAD 0.00013; ExAC 0.00023; gnomAD exomes 0.00024; 1000 Genomes Project 30x 0.00031; 1000 Genomes Project 0.00040.
gnomAD v4.1: 351 of 1,575,750 alleles (0.022%); highest among the groups gnomAD compares: Non-Finnish European, 0.029%; no homozygotes.

Submissions (2):

PreventionGenetics, part of Exact Sciences
Classification: Likely benign for MYH7B-related condition. Last evaluated: 2026-02-16. Review status: criteria provided, single submitter. Criteria: ACMG Guidelines, 2015. Collection method: clinical testing. Allele origin: germline.
Comment: This variant is classified as likely benign based on ACMG/AMP sequence variant interpretation guidelines (Richards et al. 2015 PMID: 25741868, with internal and published modifications).

Labcorp Genetics (formerly Invitae), Labcorp
Classification: Likely benign. Last evaluated: 2024-12-24. Review status: criteria provided, single submitter. Criteria: Invitae Variant Classification Sherloc (09022015). Collection method: clinical testing. Allele origin: germline.